The following is an entry in ClinVar:

ClinVar aggregate classification (germline): Uncertain significance (1 of 4 stars; one submission).

Submission:

GeneDx
Classification: Uncertain significance. Last evaluated: 2024-03-08. Review status: criteria provided, single submitter. Criteria: GeneDx Variant Classification Process June 2021. Collection method: clinical testing. Allele origin: germline. Affected: yes.
Comment: Not observed at significant frequency in large population cohorts (gnomAD); In silico analysis supports that this missense variant has a deleterious effect on protein structure/function; Has not been previously published as pathogenic or benign to our knowledge

NM_000376.3(VDR):c.-84+335G>T

Gene: VDR (vitamin D receptor; minus strand). Cytogenetic location: 12q13.11.
Variant type: single nucleotide variant.
Coding change: c.-84+335G>T on transcript NM_000376.3 (MANE Select); 335 bases into the intron after 84 bases upstream of the start codon, G replaced by T.
Molecular consequence: intron variant. On other transcripts: missense variant (1), 5 prime UTR variant (1).
Genome position (GRCh38, 1-based): chr12:47,904,620, C>A on the plus strand (G>T on the coding strand, the complement: VDR is on the minus strand). VCF-style: chr12-47904620-C-A. GRCh37 (hg19) VCF-style: chr12-48298403-C-A.
Other names: c.11G>T, p.Arg4Met (NM_001017536.2); c.-181G>T (NM_001374661.1); c.-3+335G>T (NM_001374662.1); c.-84+335G>T (NM_001364085.2); c.-206+335G>T (NM_001017535.2); short protein forms R4M.
Identifiers: ClinVar variation 3373457 (VCV003373457.1).